The following is an entry in ClinVar:

ClinVar aggregate classification (germline): Benign/Likely benign. Review status: criteria provided, multiple submitters, no conflicts (2 of 4 stars). 20 submissions from 17 submitters: Benign (13); Likely benign (1). 6 of the submissions do not count toward it. Last evaluated 2026-02-04.

Conditions:
Glycogen storage disease, type IV (GSD4). Also called: AMYLOPECTINOSIS; ANDERSEN DISEASE; BRANCHER DEFICIENCY; CIRRHOSIS, FAMILIAL, WITH DEPOSITION OF ABNORMAL GLYCOGEN; GBE1 DEFICIENCY; GLYCOGEN BRANCHING ENZYME DEFICIENCY. Identifiers: Orphanet 367, MedGen C0017923, MONDO:0009292, OMIM 232500.
Glycogen storage disease IV, classic hepatic. Also called: GSD IV, CLASSIC HEPATIC. Identifiers: MedGen C1856301.
Adult polyglucosan body disease (APBN). Also called: POLYGLUCOSAN BODY DISEASE, ADULT FORM; GBE1-Adult Polyglucosan Body Disease. Identifiers: Orphanet 206583, MedGen C1849722, MONDO:0009897, OMIM 263570.

Allele frequency attached by ClinVar (database versions not stated): TOPMed 0.28965; ESP Exome Variant Server 0.29322; gnomAD 0.29724 and 0.29961; gnomAD exomes 0.30634 and 0.31745; 1000 Genomes Project 0.32149; 1000 Genomes Project 30x 0.32199; ExAC 0.37460.
gnomAD v4.1: 479,815 of 1,571,242 alleles (31%); highest among the groups gnomAD compares: East Asian, 43%; 75,472 homozygotes.

Submissions (20):

Labcorp Genetics (formerly Invitae), Labcorp
Classification: Benign for Glycogen storage disease, type IV; Glycogen storage disease IV, classic hepatic. Last evaluated: 2026-02-04. Review status: criteria provided, single submitter. Criteria: Invitae Variant Classification Sherloc (09022015). Collection method: clinical testing. Allele origin: germline.

Women's Health and Genetics/Laboratory Corporation of America, LabCorp
Classification: Likely benign. Last evaluated: 2025-03-17. Review status: criteria provided, single submitter. Criteria: LabCorp Variant Classification Summary - May 2015. Collection method: clinical testing. Allele origin: germline.

Blueprint Genetics
Classification: Benign. Last evaluated: 2024-11-26. Review status: criteria provided, single submitter. Criteria: ACMG Guidelines, 2015. Collection method: clinical testing. Allele origin: germline.

Genome-Nilou Lab
Classification: Benign for Glycogen storage disease, type IV. Last evaluated: 2021-08-10. Review status: criteria provided, single submitter. Criteria: ACMG Guidelines, 2015. Collection method: clinical testing. Allele origin: germline. Affected: no.

Genome-Nilou Lab
Classification: Benign for Adult polyglucosan body disease. Last evaluated: 2021-08-10. Review status: criteria provided, single submitter. Criteria: ACMG Guidelines, 2015. Collection method: clinical testing. Allele origin: germline. Affected: no.

Pars Genome Lab
Classification: Benign for Glycogen storage disease, type IV. Last evaluated: 2021-06-15. Review status: criteria provided, single submitter. Criteria: ACMG Guidelines, 2015. Collection method: clinical testing. Allele origin: germline. Affected: no.

Pars Genome Lab
Classification: Benign for Adult polyglucosan body disease. Last evaluated: 2021-06-15. Review status: criteria provided, single submitter. Criteria: ACMG Guidelines, 2015. Collection method: clinical testing. Allele origin: germline. Affected: no.

Mendelics
Classification: Benign for Glycogen storage disease, type IV. Last evaluated: 2019-05-28. Review status: criteria provided, single submitter. Criteria: Mendelics Assertion Criteria 2017. Collection method: clinical testing. Allele origin: unknown.

Illumina Laboratory Services, Illumina
Classification: Benign for Glycogen storage disease, type IV. Last evaluated: 2018-01-12. Review status: criteria provided, single submitter. Criteria: ICSL Variant Classification Criteria 13 December 2019. Collection method: clinical testing. Allele origin: germline.
Comment: This variant was observed in the ICSL laboratory as part of a predisposition screen in an ostensibly healthy population. It had not been previously curated by ICSL or reported in the Human Gene Mutation Database (HGMD: prior to June 1st, 2018), and was therefore a candidate for classification through an automated scoring system. Utilizing variant allele frequency, disease prevalence and penetrance estimates, and inheritance mode, an automated score was calculated to assess if this variant is too frequent to cause the disease. Based on the score and internal cut-off values, a variant classified as benign is not then subjected to further curation. The score for this variant resulted in a classification of benign for this disease.

Illumina Laboratory Services, Illumina
Classification: Benign for Adult polyglucosan body disease. Last evaluated: 2018-01-12. Review status: criteria provided, single submitter. Criteria: ICSL Variant Classification Criteria 13 December 2019. Collection method: clinical testing. Allele origin: germline.
Comment: the same text as in the submission from Illumina Laboratory Services, Illumina above.

GeneDx
Classification: Benign. Last evaluated: 2015-12-02. Review status: criteria provided, single submitter. Criteria: GeneDx Variant Classification (06012015). Collection method: clinical testing. Allele origin: germline. Affected: yes.
Comment: This variant is considered likely benign or benign based on one or more of the following criteria: it is a conservative change, it occurs at a poorly conserved position in the protein, it is predicted to be benign by multiple in silico algorithms, and/or has population frequency not consistent with disease.

Eurofins Ntd Llc (ga)
Classification: Benign. Last evaluated: 2014-06-30. Review status: criteria provided, single submitter. Criteria: EGL Classification Definitions 2015. Collection method: clinical testing. Allele origin: germline. Observed: 2 variant alleles, 2 heterozygotes.

Breakthrough Genomics
Classification: Benign. Review status: criteria provided, single submitter. Criteria: ACMG Guidelines, 2015. Collection method: not provided. Allele origin: germline. Inheritance: Autosomal recessive inheritance. Affected: yes.

PreventionGenetics, part of Exact Sciences
Classification: Benign. Review status: criteria provided, single submitter. Criteria: ACMG Guidelines, 2015. Collection method: clinical testing. Allele origin: germline.

Natera, Inc.
Classification: Benign for Glycogen storage disease type IV. Last evaluated: 2020-09-16. Review status: no assertion criteria provided. Collection method: clinical testing. Allele origin: germline. Not counted in ClinVar's aggregate classification.

Mayo Clinic Laboratories, Mayo Clinic
Classification: Benign. Last evaluated: 2015-10-20. Review status: no assertion criteria provided. Collection method: clinical testing. Allele origin: unknown. Not counted in ClinVar's aggregate classification.

Clinical Genetics DNA and cytogenetics Diagnostics Lab, Erasmus MC, Erasmus Medical Center
Classification: Benign. Review status: no assertion criteria provided. Collection method: clinical testing. Allele origin: germline. Affected: yes. Study: VKGL Data-share Consensus. Not counted in ClinVar's aggregate classification.

Clinical Genetics, Academic Medical Center
Classification: Benign. Review status: no assertion criteria provided. Collection method: clinical testing. Allele origin: germline. Affected: yes. Study: VKGL Data-share Consensus. Not counted in ClinVar's aggregate classification.

Genome Diagnostics Laboratory, University Medical Center Utrecht
Classification: Benign. Review status: no assertion criteria provided. Collection method: clinical testing. Allele origin: germline. Affected: yes. Study: VKGL Data-share Consensus. Not counted in ClinVar's aggregate classification.

Joint Genome Diagnostic Labs from Nijmegen and Maastricht, Radboudumc and MUMC+
Classification: Benign. Review status: no assertion criteria provided. Collection method: clinical testing. Allele origin: germline. Affected: yes. Study: VKGL Data-share Consensus. Not counted in ClinVar's aggregate classification.

NM_000158.4(GBE1):c.568A>G (p.Arg190Gly)

Gene: GBE1 (1,4-alpha-glucan branching enzyme 1; minus strand). Cytogenetic location: 3p12.2.
Variant type: single nucleotide variant.
Coding change: c.568A>G on transcript NM_000158.4 (MANE Select); coding-DNA position 568, A replaced by G.
Protein change: p.Arg190Gly; replaces arginine 190 with glycine.
Molecular consequence: missense variant.
Genome position (GRCh38, 1-based): chr3:81,648,979, T>C on the plus strand (A>G on the coding strand, the complement: GBE1 is on the minus strand). VCF-style: chr3-81648979-T-C. GRCh37 (hg19) VCF-style: chr3-81698130-T-C.
Other names: short protein forms R190G.
Identifiers: ClinVar variation 197636 (VCV000197636.30), dbSNP rs2229519, ClinGen allele CA202992.